The following is an entry in ClinVar:

NM_032043.3(BRIP1):c.861G>C (p.Glu287Asp)

Gene: BRIP1 (BRCA1 interacting DNA helicase 1; minus strand). Cytogenetic location: 17q23.2.
Variant type: single nucleotide variant.
Coding change: c.861G>C on transcript NM_032043.3 (MANE Select); coding-DNA position 861, G replaced by C.
Protein change: p.Glu287Asp; replaces glutamic acid 287 with aspartic acid.
Molecular consequence: missense variant.
Genome position (GRCh38, 1-based): chr17:61,808,524, C>G on the plus strand (G>C on the coding strand, the complement: BRIP1 is on the minus strand). VCF-style: chr17-61808524-C-G. GRCh37 (hg19) VCF-style: chr17-59885885-C-G.
Other names: short protein forms E287D.
Identifiers: ClinVar variation 822607 (VCV000822607.12), dbSNP rs1603346684, ClinGen allele CA400484760.

ClinVar aggregate classification (germline): Uncertain significance. Review status: criteria provided, multiple submitters, no conflicts (2 of 4 stars). 3 submissions from 3 submitters: Uncertain significance (3). Last evaluated 2025-11-08.

Conditions:
Familial cancer of breast. Also called: Hereditary breast cancer; hereditary breast carcinoma; BREAST CANCER, FAMILIAL. Identifiers: Orphanet 227535, MedGen C0346153, MONDO:0016419, OMIM 114480. Disease mechanism: loss of function.
Fanconi anemia complementation group J. Also called: BRIP1-Related Fanconi Anemia. Identifiers: Orphanet 84, MedGen C1836860, MONDO:0012187, OMIM 609054.
Hereditary cancer-predisposing syndrome. Also called: Hereditary Cancer Syndrome; Neoplastic Syndromes, Hereditary; Hereditary neoplastic syndrome; Tumor predisposition. Identifiers: Orphanet 140162, MedGen C0027672, MeSH D009386, MONDO:0015356.

Allele frequency attached by ClinVar (database versions not stated): gnomAD exomes below 0.00001.
gnomAD v4.1: 1 of 1,613,794 alleles (0.000062%); highest among the groups gnomAD compares: Non-Finnish European, 0.000085%; no homozygotes.

Submissions (3):

Ambry Genetics
Classification: Uncertain significance for Hereditary cancer-predisposing syndrome. Last evaluated: 2025-11-08. Review status: criteria provided, single submitter. Criteria: Ambry Variant Classification Scheme 2023. Collection method: clinical testing. Allele origin: germline.
Comment: The p.E287D variant (also known as c.861G>C), located in coding exon 6 of the BRIP1 gene, results from a G to C substitution at nucleotide position 861. The glutamic acid at codon 287 is replaced by aspartic acid, an amino acid with highly similar properties. This amino acid position is well conserved in available vertebrate species. In addition, this alteration is predicted to be tolerated by in silico analysis. Since supporting evidence is limited at this time, the clinical significance of this alteration remains unclear.

Color Diagnostics, LLC DBA Color Health
Classification: Uncertain significance for Hereditary cancer-predisposing syndrome. Last evaluated: 2025-05-20. Review status: criteria provided, single submitter. Criteria: ACMG Guidelines, 2015. Collection method: clinical testing. Allele origin: germline.
Comment: This missense variant replaces glutamic acid with aspartic acid at codon 287 of the BRIP1 protein. Computational prediction suggests that this variant may not impact protein structure and function. To our knowledge, functional studies have not been reported for this variant. This variant has not been reported in individuals affected with BRIP1-related disorders in the literature. This variant has not been identified in the general population by the Genome Aggregation Database (gnomAD). The available evidence is insufficient to determine the role of this variant in disease conclusively. Therefore, this variant is classified as a Variant of Uncertain Significance.

Labcorp Genetics (formerly Invitae), Labcorp
Classification: Uncertain significance for Familial cancer of breast; Fanconi anemia complementation group J. Last evaluated: 2025-02-07. Review status: criteria provided, single submitter. Criteria: Invitae Variant Classification Sherloc (09022015). Collection method: clinical testing. Allele origin: germline.
Comment: This sequence change replaces glutamic acid, which is acidic and polar, with aspartic acid, which is acidic and polar, at codon 287 of the BRIP1 protein (p.Glu287Asp). This variant is not present in population databases (gnomAD no frequency). This variant has not been reported in the literature in individuals affected with BRIP1-related conditions. ClinVar contains an entry for this variant (Variation ID: 822607). Invitae Evidence Modeling of protein sequence and biophysical properties (such as structural, functional, and spatial information, amino acid conservation, physicochemical variation, residue mobility, and thermodynamic stability) indicates that this missense variant is not expected to disrupt BRIP1 protein function with a negative predictive value of 95%. In summary, the available evidence is currently insufficient to determine the role of this variant in disease. Therefore, it has been classified as a Variant of Uncertain Significance.